The following is an entry in ClinVar:

ClinVar aggregate classification (germline): Uncertain significance (1 of 4 stars; one submission).

Submission:

Greenwood Genetic Center Diagnostic Laboratories, Greenwood Genetic Center
Classification: Uncertain significance. Last evaluated: 2021-09-22. Review status: criteria provided, single submitter. Criteria: ACMG Guidelines, 2015. Collection method: clinical testing. Allele origin: germline. Affected: yes.
Comment: PM2, PP3, PP2

NM_004380.3(CREBBP):c.5582A>C (p.Gln1861Pro)

Gene: CREBBP (CREB binding protein; minus strand). Cytogenetic location: 16p13.3.
Variant type: single nucleotide variant.
Coding change: c.5582A>C on transcript NM_004380.3 (MANE Select); coding-DNA position 5582, A replaced by C.
Protein change: p.Gln1861Pro; replaces glutamine 1861 with proline.
Molecular consequence: missense variant.
Genome position (GRCh38, 1-based): chr16:3,729,465, T>G on the plus strand (A>C on the coding strand, the complement: CREBBP is on the minus strand). VCF-style: chr16-3729465-T-G. GRCh37 (hg19) VCF-style: chr16-3779466-T-G.
Other names: c.5468A>C, p.Gln1823Pro (NM_001079846.1); short protein forms Q1823P, Q1861P.
Identifiers: ClinVar variation 1334602 (VCV001334602.4), dbSNP rs2151309750, ClinGen allele CA394555967.
Genomic context (GRCh38, chr16:3,729,465, plus strand): 5'-CTCTGCTGAGGCACGTTGCGGGTGTTCATGGTGGCCATCCGCCGGCGCATGAGCTGGGCC[T>G]GCTGCAGGCGGTGCTGGATCTGCTGCTGGCGGAGCTTGTGTTTGATGTTGAGGCAGAAGG-3'
Protein context (NP_004371.2, residues 1851-1871): RQQQIQHRLQ[Gln1861Pro]AQLMRRRMAT